The following is an entry in ClinVar:

NM_016219.5(MAN1B1):c.1177_1178dup (p.Ser393fs)

Gene: MAN1B1 (mannosidase alpha class 1B member 1; plus strand). Cytogenetic location: 9q34.3.
Variant type: Duplication.
Coding change: c.1177_1178dup on transcript NM_016219.5 (MANE Select); coding-DNA positions 1177 to 1178, 2 bases duplicated (AG; older notation c.1177_1178dupAG).
Protein change: p.Ser393fs; shifts the reading frame from serine 393.
Molecular consequence: frameshift variant. On other transcripts: non-coding transcript variant (2).
Genome position (GRCh38, 1-based): chr9:137,101,595-137,101,596, AG duplicated. VCF-style (leftmost placement, unchanged base first): chr9-137101594-C-CAG. GRCh37 (hg19) VCF-style: chr9-139996046-C-CAG.
Other names: short protein forms S393fs.
Identifiers: ClinVar variation 3716972 (VCV003716972.2).
Genomic context (GRCh38, chr9:137,101,594, plus strand): 5'-TCCTTACTCGGATGTGAACATCGGTACTGGAGTTGCCCACCCGCCACGGTGGACCTCCGA[C>CAG]AGCACTGTGGCCGAGGTGACCAGCATTCAGCTGGAGTTCCGGGAGCTCTCCCGTCTCACA-3'

ClinVar aggregate classification (germline): Pathogenic (1 of 4 stars; one submission).

Conditions:
Rafiq syndrome (RAFQS). Identifiers: Orphanet 88616, MedGen C3280127, MONDO:0013624, OMIM 614202.

Submission:

Labcorp Genetics (formerly Invitae), Labcorp
Classification: Pathogenic for Rafiq syndrome. Last evaluated: 2024-09-14. Review status: criteria provided, single submitter. Criteria: Invitae Variant Classification Sherloc (09022015). Collection method: clinical testing. Allele origin: germline.
Comment: This sequence change creates a premature translational stop signal (p.Ser393Argfs*7) in the MAN1B1 gene. It is expected to result in an absent or disrupted protein product. Loss-of-function variants in MAN1B1 are known to be pathogenic (PMID: 24566669). This variant is not present in population databases (gnomAD no frequency). This variant has not been reported in the literature in individuals affected with MAN1B1-related conditions. For these reasons, this variant has been classified as Pathogenic.

Literature cited by the submitters: PubMed 24566669.